The following is an entry in ClinVar:

ClinVar aggregate classification (germline): Uncertain significance (1 of 4 stars; one submission).

Conditions:
Cardiovascular phenotype. Identifiers: MedGen CN230736.

Submission:

Ambry Genetics
Classification: Uncertain significance for Cardiovascular phenotype. Last evaluated: 2026-01-17. Review status: criteria provided, single submitter. Criteria: Ambry Variant Classification Scheme 2023. Collection method: clinical testing. Allele origin: germline.
Comment: The p.A218T variant (also known as c.652G>A), located in coding exon 6 of the ANK2 gene, results from a G to A substitution at nucleotide position 652. The alanine at codon 218 is replaced by threonine, an amino acid with similar properties. This amino acid position is conserved. In addition, the in silico prediction for this alteration is inconclusive. Based on the available evidence, the clinical significance of this variant remains unclear.

NM_001148.6(ANK2):c.652G>A (p.Ala218Thr)

Gene: ANK2 (ankyrin 2; plus strand). Cytogenetic location: 4q26.
Variant type: single nucleotide variant.
Coding change: c.652G>A on transcript NM_001148.6 (MANE Select); coding-DNA position 652, G replaced by A.
Protein change: p.Ala218Thr; replaces alanine 218 with threonine.
Molecular consequence: missense variant.
Genome position (GRCh38, 1-based): chr4:113,237,155, G>A. VCF-style: chr4-113237155-G-A. GRCh37 (hg19) VCF-style: chr4-114158311-G-A.
Other names: c.697G>A, p.Ala233Thr (NM_001354231.2, NM_001354237.2, NM_001354240.2 and 5 more transcripts); c.652G>A, p.Ala218Thr (NM_001354232.2, NM_001354235.2, NM_001354236.2 and 9 more transcripts); c.589G>A, p.Ala197Thr (NM_001354239.2, NM_001354243.2, NM_001354257.2 and 33 more transcripts); c.634G>A, p.Ala212Thr (NM_001354261.2, NM_001386147.1, NM_001386160.1); c.640G>A, p.Ala214Thr (NM_001386148.2, NM_001386186.2, NM_001386187.2 and 1 more transcripts); c.703G>A, p.Ala235Thr (NM_001386175.1, NM_001386174.1); short protein forms A197T, A235T, A214T, A233T, A212T, A218T.
Identifiers: ClinVar variation 4097241 (VCV004097241.2).